The following is an entry in ClinVar:

ClinVar aggregate classification (germline): Pathogenic (1 of 4 stars; one submission).

Conditions:
Hyper-IgM syndrome type 1. Also called: Hyper-IgM Immunodeficiency Syndrome, Type 1; CD40 Ligand Deficiency; X-linked hyper-IgM syndrome; Immunodeficiency, X-linked, with hyper-IgM. Identifiers: Orphanet 101088, MedGen C0398689, MONDO:0010626, OMIM 308230.

Submission:

Labcorp Genetics (formerly Invitae), Labcorp
Classification: Pathogenic for Hyper-IgM syndrome type 1. Last evaluated: 2020-03-03. Review status: criteria provided, single submitter. Criteria: Invitae Variant Classification Sherloc (09022015). Collection method: clinical testing. Allele origin: germline.
Comment: This variant disrupts the p.Ala123 and p.Thr254 amino acid residues in CD40LG. Other variant(s) that disrupt these residues have been observed in affected individuals (PMID:¬†15623492, 8094231,¬†8889581, 10484640, 25541662), suggesting that these are clinically significant residues. As a result, variants that disrupt these residues are likely to be causative of disease. For these reasons, this variant has been classified as Pathogenic. A similar deletion of exon 3 has been observed to segregate with X-linked hyper IgM syndrome in a family (PMID: 14641931). This variant is a sub-genic deletion of the genomic region encompassing exon 3 of the CD40LG gene. While this deletion is not anticipated to result in nonsense mediated decay, it is expected to create a truncated protein product.

Literature cited by the submitters: PubMed 14641931.

NC_000023.11:g.(?_136654353)_(136654450_?)del

Gene: CD40LG (CD40 ligand; plus strand). Cytogenetic location: Xq26.3.
Variant type: Deletion.
Identifiers: ClinVar variation 639868 (VCV000639868.8).